The following is an entry in ClinVar:

ClinVar aggregate classification (germline): Uncertain significance. Review status: criteria provided, multiple submitters, no conflicts (2 of 4 stars). 5 submissions from 5 submitters: Uncertain significance (5). Last evaluated 2024-12-22.

Conditions:
Hereditary cancer-predisposing syndrome. Also called: Neoplastic Syndromes, Hereditary; Hereditary Cancer Syndrome; Tumor predisposition; Hereditary neoplastic syndrome. Identifiers: Orphanet 140162, MedGen C0027672, MeSH D009386, MONDO:0015356.
Hirschsprung disease, susceptibility to, 1 (HSCR1). Also called: RET-Related Hirschsprung Disease. Identifiers: Orphanet 388, MedGen C3888239, MONDO:0007723, OMIM 142623.
Multiple endocrine neoplasia type 2B. Also called: MEN 2B; MUCOSAL NEUROMA SYNDROME; Multiple endocrine neoplasia, type 3; MULTIPLE ENDOCRINE NEOPLASIA, TYPE IIB; Multiple Endocrine Neoplasia Type 2B (MEN2B); MEN IIB. Identifiers: Orphanet 247709, Orphanet 653, MedGen C0025269, MeSH D018814, MONDO:0008082, OMIM 162300.
Pheochromocytoma. Also called: MAX-Related Hereditary Paraganglioma-Pheochromocytoma Syndrome. Identifiers: Orphanet 29072, MedGen C0031511, MONDO:0008233, OMIM 171300, HP:0002666.
Familial medullary thyroid carcinoma (MTC). Also called: Thyroid cancer, familial medullary; MTC, familial; Familial Medullary Thyroid Carcinoma (FMTC). Identifiers: Orphanet 653, Orphanet 99361, MedGen C1833921, MONDO:0007958, OMIM 155240.
Multiple endocrine neoplasia type 2A. Also called: MULTIPLE ENDOCRINE NEOPLASIA, TYPE IIA; PTC SYNDROME; SIPPLE SYNDROME; MEN 2A; MEN-2A syndrome; Pheochromocytoma and amyloid producing medullary thyroid carcinoma. Identifiers: Orphanet 247698, Orphanet 653, MedGen C0025268, MeSH D018813, MONDO:0008234, OMIM 171400.
Multiple endocrine neoplasia, type 2 (MEN2). Identifiers: Orphanet 653, MedGen C4048306, MONDO:0019003. Disease mechanism: gain of function.

Allele frequency attached by ClinVar (database versions not stated): gnomAD 0.00001; gnomAD exomes 0.00001 and 0.00003; TOPMed 0.00001.
gnomAD v4.1: 17 of 1,613,294 alleles (0.0011%); highest among the groups gnomAD compares: Non-Finnish European, 0.0014%; no homozygotes.

Submissions (5):

Labcorp Genetics (formerly Invitae), Labcorp
Classification: Uncertain significance for Multiple endocrine neoplasia, type 2. Last evaluated: 2024-12-22. Review status: criteria provided, single submitter. Criteria: Invitae Variant Classification Sherloc (09022015). Collection method: clinical testing. Allele origin: germline.
Comment: This sequence change replaces glycine, which is neutral and non-polar, with aspartic acid, which is acidic and polar, at codon 748 of the RET protein (p.Gly748Asp). This variant is present in population databases (no rsID available, gnomAD 0.002%). This variant has not been reported in the literature in individuals affected with RET-related conditions. ClinVar contains an entry for this variant (Variation ID: 661752). An algorithm developed to predict the effect of missense changes on protein structure and function (PolyPhen-2) suggests that this variant is likely to be tolerated. In summary, the available evidence is currently insufficient to determine the role of this variant in disease. Therefore, it has been classified as a Variant of Uncertain Significance.

All of Us Research Program, National Institutes of Health
Classification: Uncertain significance for Multiple endocrine neoplasia, type 2. Last evaluated: 2024-08-30. Review status: criteria provided, single submitter. Criteria: ACMG Guidelines, 2015. Collection method: clinical testing. Allele origin: germline. Inheritance: Autosomal dominant inheritance. Observed: 5 variant alleles, 5 heterozygotes.
Comment: This missense variant replaces glycine with aspartic acid at codon 748 of the RET protein. Computational prediction is inconclusive regarding the impact of this variant on protein structure and function (internally defined REVEL score threshold 0.5 < inconclusive < 0.7, PMID: 27666373). To our knowledge, functional studies have not been reported for this variant. This variant has not been reported in individuals affected with hereditary cancer in the literature. This variant has been identified in 3/282834 chromosomes in the general population by the Genome Aggregation Database (gnomAD). The available evidence is insufficient to determine the role of this variant in disease conclusively. Therefore, this variant is classified as a Variant of Uncertain Significance.

This study involves interpretation of variants in research participants for the purpose of population health screening. Participant phenotype was not available at the time of variant classification. Additional details can be found in publication PMID: 35346344, PMCID: PMC8962531

Fulgent Genetics
Classification: Uncertain significance for Hirschsprung disease, susceptibility to, 1; Familial medullary thyroid carcinoma; Multiple endocrine neoplasia type 2B; Pheochromocytoma; Multiple endocrine neoplasia type 2A. Last evaluated: 2024-02-14. Review status: criteria provided, single submitter. Criteria: ACMG Guidelines, 2015. Collection method: clinical testing. Allele origin: germline.

Ambry Genetics
Classification: Uncertain significance for Hereditary cancer-predisposing syndrome. Last evaluated: 2023-12-28. Review status: criteria provided, single submitter. Criteria: Ambry Variant Classification Scheme 2023. Collection method: clinical testing. Allele origin: germline.
Comment: The p.G748D variant (also known as c.2243G>A), located in coding exon 12 of the RET gene, results from a G to A substitution at nucleotide position 2243. The glycine at codon 748 is replaced by aspartic acid, an amino acid with similar properties. This amino acid position is highly conserved in available vertebrate species. In addition, this alteration is predicted to be deleterious by in silico analysis. Based on data from gnomAD, the frequency for this variant is above the maximum credible frequency for a MEN2-causing variant in this gene based on internally established thresholds (Karczewski et al. Nature. 2020 May;581(7809):434-443; Whiffin et al. Genet Med. 2017 10;19:1151-1158). Based on the supporting evidence, this variant is unlikely to be causative of MEN2; however, its contribution to the development of Hirschsprung disease is uncertain.

Color Diagnostics, LLC DBA Color Health
Classification: Uncertain significance for Multiple endocrine neoplasia, type 2. Last evaluated: 2023-04-21. Review status: criteria provided, single submitter. Criteria: ACMG Guidelines, 2015. Collection method: clinical testing. Allele origin: germline.
Comment: This missense variant replaces glycine with aspartic acid at codon 748 of the RET protein. Computational prediction is inconclusive regarding the impact of this variant on protein structure and function (internally defined REVEL score threshold 0.5 < inconclusive < 0.7, PMID: 27666373). To our knowledge, functional studies have not been reported for this variant. This variant has not been reported in individuals affected with hereditary cancer in the literature. This variant has been identified in 3/282834 chromosomes in the general population by the Genome Aggregation Database (gnomAD). The available evidence is insufficient to determine the role of this variant in disease conclusively. Therefore, this variant is classified as a Variant of Uncertain Significance.

NM_020975.6(RET):c.2243G>A (p.Gly748Asp)

Gene: RET (ret proto-oncogene; plus strand). Cytogenetic location: 10q11.21.
Variant type: single nucleotide variant.
Coding change: c.2243G>A on transcript NM_020975.6 (MANE Select); coding-DNA position 2243, G replaced by A.
Protein change: p.Gly748Asp; replaces glycine 748 with aspartic acid.
Molecular consequence: missense variant.
Genome position (GRCh38, 1-based): chr10:43,116,690, G>A. VCF-style: chr10-43116690-G-A. GRCh37 (hg19) VCF-style: chr10-43612138-G-A.
Other names: c.2243G>A, p.Gly748Asp (NM_000323.2, NM_001406743.1, NM_001406744.1 and 4 more transcripts); c.1481G>A, p.Gly494Asp (NM_001355216.2); c.2114G>A, p.Gly705Asp (NM_001406761.1, NM_001406762.1, NM_001406764.1); c.2108G>A, p.Gly703Asp (NM_001406763.1, NM_001406765.1); c.1955G>A, p.Gly652Asp (NM_001406766.1, NM_001406767.1, NM_001406770.1); c.1979G>A, p.Gly660Asp (NM_001406768.1); c.1847G>A, p.Gly616Asp (NM_001406769.1, NM_001406772.1); c.1805G>A, p.Gly602Asp (NM_001406771.1, NM_001406773.1); and 10 more; short protein forms G494D, G748D, G313D, G404D, G418D, G616D, G652D, G703D.
Identifiers: ClinVar variation 661752 (VCV000661752.16), dbSNP rs1314127008, ClinGen allele CA376554716.